The following is an entry in ClinVar:

NM_020207.7(ERCC6L2):c.899C>T (p.Thr300Ile)

Gene: ERCC6L2 (ERCC excision repair 6 like 2; plus strand). Cytogenetic location: 9q22.32.
Variant type: single nucleotide variant.
Coding change: c.899C>T on transcript NM_020207.7 (MANE Select); coding-DNA position 899, C replaced by T.
Protein change: p.Thr300Ile; replaces threonine 300 with isoleucine.
Molecular consequence: missense variant. On other transcripts: non-coding transcript variant (1).
Genome position (GRCh38, 1-based): chr9:95,915,778, C>T. VCF-style: chr9-95915778-C-T. GRCh37 (hg19) VCF-style: chr9-98678060-C-T.
Other names: c.899C>T, p.Thr300Ile (NM_001010895.4, NM_001375291.1, NM_001375292.1 and 2 more transcripts); short protein forms T300I.
Identifiers: ClinVar variation 2120045 (VCV002120045.4), dbSNP rs2490116117, ClinGen allele CA374122405.
Genomic context (GRCh38, chr9:95,915,778, plus strand): 5'-CAAAAGCTAGAGTAACAGAAGTTATGAAAGCTTTGAAATGTAATGTCCGCATTGGCCTCA[C>T]TGGAACCATCCTTCAGAACAACATGAAGGAACTGTGGTGTGTTATGGACTGGTGAGAGAA-3'
Protein context (NP_064592.3, residues 290-310): ALKCNVRIGL[Thr300Ile]GTILQNNMKE

ClinVar aggregate classification (germline): Uncertain significance (1 of 4 stars; one submission).

Submission:

Labcorp Genetics (formerly Invitae), Labcorp
Classification: Uncertain significance. Last evaluated: 2022-04-01. Review status: criteria provided, single submitter. Criteria: Invitae Variant Classification Sherloc (09022015). Collection method: clinical testing. Allele origin: germline.
Comment: This sequence change replaces threonine, which is neutral and polar, with isoleucine, which is neutral and non-polar, at codon 311 of the ERCC6L2 protein (p.Thr311Ile). This variant is not present in population databases (gnomAD no frequency). This variant has not been reported in the literature in individuals affected with ERCC6L2-related conditions. Algorithms developed to predict the effect of missense changes on protein structure and function are either unavailable or do not agree on the potential impact of this missense change (SIFT: "Deleterious"; PolyPhen-2: "Not Available"; Align-GVGD: "Class C0"). In summary, the available evidence is currently insufficient to determine the role of this variant in disease. Therefore, it has been classified as a Variant of Uncertain Significance.